The following is an entry in ClinVar:

NM_000094.4(COL7A1):c.6538-2A>C

Gene: COL7A1 (collagen type VII alpha 1 chain; minus strand). Cytogenetic location: 3p21.31.
Variant type: single nucleotide variant.
Coding change: c.6538-2A>C on transcript NM_000094.4 (MANE Select); the canonical splice acceptor site of the intron before coding-DNA position 6538, A replaced by C.
Molecular consequence: splice acceptor variant.
Genome position (GRCh38, 1-based): chr3:48,573,727, T>G on the plus strand (A>C on the coding strand, the complement: COL7A1 is on the minus strand). VCF-style: chr3-48573727-T-G. GRCh37 (hg19) VCF-style: chr3-48611160-T-G.
Identifiers: ClinVar variation 839636 (VCV000839636.8), dbSNP rs2044089924, ClinGen allele CA352657163.
Genomic context (GRCh38, chr3:48,573,727, plus strand): 5'-GGCAGTGTTCCCTGGTCACTCACCGGGGCACCAGGTGGTCCAGGGTCTCCATGACCACCC[T>G]GTTGTGGCGAAAAAGAGTCTGATGAGGGGGAGTTAGCCGCACCCCACCAAGGAAACTGAG-3'

ClinVar aggregate classification (germline): Likely pathogenic (1 of 4 stars; one submission).

Submission:

Labcorp Genetics (formerly Invitae), Labcorp
Classification: Likely pathogenic. Last evaluated: 2019-12-14. Review status: criteria provided, single submitter. Criteria: Invitae Variant Classification Sherloc (09022015). Collection method: clinical testing. Allele origin: germline.
Comment: In summary, the currently available evidence indicates that the variant is pathogenic, but additional data are needed to prove that conclusively. Therefore, this variant has been classified as Likely Pathogenic. Donor and acceptor splice site variants typically lead to a loss of protein function (PMID: 16199547), and loss-of-function variants in COL7A1 are known to be pathogenic (PMID: 16971478). Algorithms developed to predict the effect of sequence changes on RNA splicing suggest that this variant may disrupt the consensus splice site, but this prediction has not been confirmed by published transcriptional studies. This variant has not been reported in the literature in individuals with COL7A1-related conditions. This variant is not present in population databases (ExAC no frequency). This sequence change affects an acceptor splice site in intron 80 of the COL7A1 gene. It is expected to disrupt RNA splicing and likely results in an absent or disrupted protein product.

Literature cited by the submitters: PubMed 16199547; PubMed 16971478.